The following is an entry in ClinVar:

ClinVar aggregate classification (germline): Uncertain significance. Review status: criteria provided, multiple submitters, no conflicts (2 of 4 stars). 2 submissions from 2 submitters: Uncertain significance (2). Last evaluated 2024-01-08.

Conditions:
Autoimmune interstitial lung disease-arthritis syndrome. Also called: Autoinflammation and autoimmunity, systemic, with immune dysregulation. Identifiers: Orphanet 444092, MedGen C5975714, MONDO:0014629.

Submissions (2):

GeneDx
Classification: Uncertain significance. Last evaluated: 2024-01-08. Review status: criteria provided, single submitter. Criteria: GeneDx Variant Classification Process June 2021. Collection method: clinical testing. Allele origin: germline. Affected: yes.
Comment: Not observed at significant frequency in large population cohorts (gnomAD); In silico analysis supports that this missense variant has a deleterious effect on protein structure/function; Has not been previously published as pathogenic or benign to our knowledge

Labcorp Genetics (formerly Invitae), Labcorp
Classification: Uncertain significance for Autoimmune interstitial lung disease-arthritis syndrome. Last evaluated: 2023-06-04. Review status: criteria provided, single submitter. Criteria: Invitae Variant Classification Sherloc (09022015). Collection method: clinical testing. Allele origin: germline.
Comment: This sequence change replaces aspartic acid, which is acidic and polar, with alanine, which is neutral and non-polar, at codon 37 of the COPA protein (p.Asp37Ala). This variant is not present in population databases (gnomAD no frequency). This variant has not been reported in the literature in individuals affected with COPA-related conditions. Advanced modeling of protein sequence and biophysical properties (such as structural, functional, and spatial information, amino acid conservation, physicochemical variation, residue mobility, and thermodynamic stability) performed at Invitae indicates that this missense variant is expected to disrupt COPA protein function. In summary, the available evidence is currently insufficient to determine the role of this variant in disease. Therefore, it has been classified as a Variant of Uncertain Significance.

NM_004371.4(COPA):c.110A>C (p.Asp37Ala)

Gene: COPA (coat protein complex I subunit alpha; minus strand). Cytogenetic location: 1q23.2.
Variant type: single nucleotide variant.
Coding change: c.110A>C on transcript NM_004371.4 (MANE Select); coding-DNA position 110, A replaced by C.
Protein change: p.Asp37Ala; replaces aspartic acid 37 with alanine.
Molecular consequence: missense variant.
Genome position (GRCh38, 1-based): chr1:160,340,225, T>G on the plus strand (A>C on the coding strand, the complement: COPA is on the minus strand). VCF-style: chr1-160340225-T-G. GRCh37 (hg19) VCF-style: chr1-160310015-T-G.
Other names: c.110A>C, p.Asp37Ala (NM_001098398.2); c.110A>C (NM_004371.3); short protein forms D37A.
Identifiers: ClinVar variation 2768862 (VCV002768862.4), dbSNP rs1294976871, ClinGen allele CA343273263.
Genomic context (GRCh38, chr1:160,340,225, plus strand): 5'-CCTAGAAATATCTCACCATCATGTTCATCAAACTTGTCAATGAGAGTGCACATCCGATAG[T>G]CCCATAACTGGATGACCCCATTATGTAAACTAGTCAGGATCCAAGGTCTTTTGGGGTGAA-3'
Protein context (NP_004362.2, residues 27-47): SLHNGVIQLW[Asp37Ala]YRMCTLIDKF